The following is an entry in ClinVar:

NM_001171613.2(PREPL):c.1086+8T>G

Gene: PREPL (prolyl endopeptidase like; minus strand). Cytogenetic location: 2p21.
Variant type: single nucleotide variant.
Coding change: c.1086+8T>G on transcript NM_001171613.2 (MANE Select); 8 bases into the intron after coding-DNA position 1086, T replaced by G.
Molecular consequence: intron variant.
Genome position (GRCh38, 1-based): chr2:44,332,451, A>C on the plus strand (T>G on the coding strand, the complement: PREPL is on the minus strand). VCF-style: chr2-44332451-A-C. GRCh37 (hg19) VCF-style: chr2-44559590-A-C.
Other names: c.1086+8T>G (NM_001171617.1, NM_001374277.1); c.1353+8T>G (NM_001171603.1, NM_001374275.1, NM_001374276.1 and 2 more transcripts); c.1167+8T>G (NM_001042385.2); c.1156-3339T>G (NM_001042386.2).
Identifiers: ClinVar variation 1114768 (VCV001114768.11), dbSNP rs374029150, ClinGen allele CA1641256.

ClinVar aggregate classification (germline): Likely benign. Review status: criteria provided, single submitter (1 of 4 stars). 2 submissions from 2 submitters: Likely benign (1). 1 of the submissions does not count toward it. Last evaluated 2025-04-09.

Conditions:
Myasthenic syndrome, congenital, 22 (CMS22). Also called: PREPL DEFICIENCY. Identifiers: MedGen C4479088, MONDO:0044299, OMIM 616224.
PREPL-related disorder. Also called: PREPL-related condition.

Allele frequency attached by ClinVar (database versions not stated): gnomAD exomes 0.00001 and 0.00002; ExAC 0.00002; gnomAD 0.00018; TOPMed 0.00019; ESP Exome Variant Server 0.00023.
gnomAD v4.1: 38 of 1,606,334 alleles (0.0024%); highest among the groups gnomAD compares: African/African-American, 0.048%; no homozygotes.

Submissions (2):

Labcorp Genetics (formerly Invitae), Labcorp
Classification: Likely benign for Myasthenic syndrome, congenital, 22. Last evaluated: 2025-04-09. Review status: criteria provided, single submitter. Criteria: Invitae Variant Classification Sherloc (09022015). Collection method: clinical testing. Allele origin: germline.

PreventionGenetics, part of Exact Sciences
Classification: Likely benign for PREPL-related condition. Last evaluated: 2021-09-08. Review status: no assertion criteria provided. Collection method: clinical testing. Allele origin: germline. Not counted in ClinVar's aggregate classification.
Comment: This variant is classified as likely benign based on ACMG/AMP sequence variant interpretation guidelines (Richards et al. 2015 PMID: 25741868, with internal and published modifications).